The following is an entry in ClinVar:

NM_000455.5(STK11):c.792_793insTTTTTTTTTTTTTTTTTTTTNNNNNNNNNNGCTCTCCTGACCTCGTGATCCGCCCGCCTCGGCCTCCCACAGTGCTGTGATTACAGGCGTGAGCCACCGCGCCCGGCCTACAAGTTGTTT (p.Glu265delinsPhePhePhePhePhePheXaaXaaXaaXaaAlaLeuLeuThrSerTer)

Gene: STK11 (serine/threonine kinase 11; plus strand). Cytogenetic location: 19p13.3.
Variant type: Insertion.
Coding change: c.792_793insTTTTTTTTTTTTTTTTTTTTNNNNNNNNNNGCTCTCCTGACCTCGTGATCCGCCCGCCTCGGCCTCCCACAGTGCTGTGATTACAGGCGTGAGCCACCGCGCCCGGCCTACAAGTTGTTT on transcript NM_000455.5 (MANE Select); coding-DNA positions 792 to 793, TTTTTTTTTTTTTTTTTTTTNNNNNNNNNNGCTCTCCTGACCTCGTGATCCGCCCGCCTCGGCCTCCCACAGTGCTGTGATTACAGGCGTGAGCCACCGCGCCCGGCCTACAAGTTGTTT inserted.
Protein change: p.Glu265delinsPhePhePhePhePhePheXaaXaaXaaXaaAlaLeuLeuThrSerTer.
Molecular consequence: nonsense.
Genome position: GRCh38: chr19:1,221,270-1,221,271. GRCh37 (hg19): chr19:1,221,269-1,221,270.
Identifiers: ClinVar variation 1379620 (VCV001379620.6), dbSNP rs2145426910.

ClinVar aggregate classification (germline): Pathogenic (1 of 4 stars; one submission).

Conditions:
Peutz-Jeghers syndrome (PJS). Also called: POLYPOSIS, HAMARTOMATOUS INTESTINAL; POLYPS-AND-SPOTS SYNDROME; Peutz-Jeghers polyposis; Periorificial lentiginosis syndrome. Identifiers: Orphanet 2869, MedGen C0031269, MeSH D010580, MONDO:0008280, OMIM 175200.

Submission:

Labcorp Genetics (formerly Invitae), Labcorp
Classification: Pathogenic for Peutz-Jeghers syndrome. Last evaluated: 2024-04-29. Review status: criteria provided, single submitter. Criteria: Invitae Variant Classification Sherloc (09022015). Collection method: clinical testing. Allele origin: germline.
Comment: This sequence change inserts a large fragment of DNA, likely a transposable element, in exon 6 of the STK11 gene (c.792_793ins?), causing a frameshift at codon 265 (p.Glu265fs). The exact size and sequence of the insertion cannot be determined by the current assay. However, the insertion is expected to result in an absent or disrupted protein product. This variant is not present in population databases (gnomAD no frequency). This variant has not been reported in the literature in individuals affected with STK11-related conditions. ClinVar contains an entry for this variant (Variation ID: 1379620). Retrotransposon insertions including LINE1 (L1), Alu, and SVA (SINE-VNTR-Alu) have been reported to be disease-causing through disruption of either a coding region or splice site (PMID: 19763152, 20307669, 22406018) and loss-of-function variants in STK11 are known to be pathogenic (PMID: 15188174, 16287113). For these reasons, this variant has been classified as Pathogenic.

Literature cited by the submitters: PubMed 19763152; PubMed 20307669; PubMed 22406018; PubMed 15188174; PubMed 16287113.